The following is an entry in ClinVar:

ClinVar aggregate classification (germline): Uncertain significance. Review status: criteria provided, multiple submitters, no conflicts (2 of 4 stars). 2 submissions from 2 submitters: Uncertain significance (2). Last evaluated 2022-02-11.

Conditions:
Combined immunodeficiency due to DOCK8 deficiency (HIES2). Also called: HIES autosomal recessive; HYPER-IgE RECURRENT INFECTION SYNDROME 2, AUTOSOMAL RECESSIVE; HYPER-IgE SYNDROME 2, AUTOSOMAL RECESSIVE, WITH RECURRENT INFECTIONS; DOCK8 Deficiency; Hyper-IgE recurrent infection syndrome, autosomal recessive. Identifiers: Orphanet 217390, MedGen C4722305, MONDO:0009478, OMIM 243700.

Allele frequency attached by ClinVar (database versions not stated): gnomAD 0.00004 and 0.00005; TOPMed 0.00004; ESP Exome Variant Server 0.00008; ExAC 0.00010; 1000 Genomes Project 30x 0.00031; 1000 Genomes Project 0.00040.
gnomAD v4.1: 56 of 1,614,168 alleles (0.0035%); highest among the groups gnomAD compares: South Asian, 0.046%; no homozygotes.

Submissions (2):

Labcorp Genetics (formerly Invitae), Labcorp
Classification: Uncertain significance for Combined immunodeficiency due to DOCK8 deficiency. Last evaluated: 2022-02-11. Review status: criteria provided, single submitter. Criteria: Invitae Variant Classification Sherloc (09022015). Collection method: clinical testing. Allele origin: germline.
Comment: This sequence change replaces alanine, which is neutral and non-polar, with valine, which is neutral and non-polar, at codon 1262 of the DOCK8 protein (p.Ala1262Val). This variant is present in population databases (rs376233983, gnomAD 0.05%). This variant has not been reported in the literature in individuals affected with DOCK8-related conditions. ClinVar contains an entry for this variant (Variation ID: 650981). Algorithms developed to predict the effect of missense changes on protein structure and function (SIFT, PolyPhen-2, Align-GVGD) all suggest that this variant is likely to be disruptive. In summary, the available evidence is currently insufficient to determine the role of this variant in disease. Therefore, it has been classified as a Variant of Uncertain Significance.

Breakthrough Genomics
Classification: Uncertain significance. Review status: criteria provided, single submitter. Criteria: ACMG Guidelines, 2015. Collection method: not provided. Allele origin: germline. Inheritance: Autosomal recessive inheritance. Affected: yes.

NM_203447.4(DOCK8):c.3785C>T (p.Ala1262Val)

Gene: DOCK8 (dedicator of cytokinesis 8; plus strand). Cytogenetic location: 9p24.3.
Variant type: single nucleotide variant.
Coding change: c.3785C>T on transcript NM_203447.4 (MANE Select); coding-DNA position 3785, C replaced by T.
Protein change: p.Ala1262Val; replaces alanine 1262 with valine.
Molecular consequence: missense variant.
Genome position (GRCh38, 1-based): chr9:418,152, C>T. VCF-style: chr9-418152-C-T. GRCh37 (hg19) VCF-style: chr9-418152-C-T.
Other names: c.3485C>T, p.Ala1162Val (NM_001190458.2); c.3581C>T, p.Ala1194Val (NM_001193536.2); short protein forms A1262V, A1194V, A1162V.
Identifiers: ClinVar variation 650981 (VCV000650981.9), dbSNP rs376233983, ClinGen allele CA4958822.